The following is an entry in ClinVar:

ClinVar aggregate classification (germline): Uncertain significance (1 of 4 stars; one submission).

gnomAD v4.1: 3 of 1,593,402 alleles (0.00019%); highest among the groups gnomAD compares: South Asian, 0.0034%; no homozygotes.

Submission:

Labcorp Genetics (formerly Invitae), Labcorp
Classification: Uncertain significance. Last evaluated: 2024-02-23. Review status: criteria provided, single submitter. Criteria: Invitae Variant Classification Sherloc (09022015). Collection method: clinical testing. Allele origin: germline.
Comment: This sequence change replaces serine, which is neutral and polar, with cysteine, which is neutral and slightly polar, at codon 1469 of the MPDZ protein (p.Ser1469Cys). This variant is present in population databases (no rsID available, gnomAD 0.003%). This variant has not been reported in the literature in individuals affected with MPDZ-related conditions. ClinVar contains an entry for this variant (Variation ID: 2090830). An algorithm developed to predict the effect of missense changes on protein structure and function (PolyPhen-2) suggests that this variant is likely to be tolerated. In summary, the available evidence is currently insufficient to determine the role of this variant in disease. Therefore, it has been classified as a Variant of Uncertain Significance.

NM_001378778.1(MPDZ):c.4406C>G (p.Ser1469Cys)

Gene: MPDZ (multiple PDZ domain crumbs cell polarity complex component; minus strand). Cytogenetic location: 9p23.
Variant type: single nucleotide variant.
Coding change: c.4406C>G on transcript NM_001378778.1 (MANE Select); coding-DNA position 4406, C replaced by G.
Protein change: p.Ser1469Cys; replaces serine 1469 with cysteine.
Molecular consequence: missense variant.
Genome position (GRCh38, 1-based): chr9:13,133,882, G>C on the plus strand (C>G on the coding strand, the complement: MPDZ is on the minus strand). VCF-style: chr9-13133882-G-C. GRCh37 (hg19) VCF-style: chr9-13133881-G-C.
Other names: c.4307C>G, p.Ser1436Cys (NM_001261406.2, NM_001261407.2, NM_001375416.1 and 3 more transcripts); c.4406C>G, p.Ser1469Cys (NM_001330637.2, NM_003829.5); c.4505C>G, p.Ser1502Cys (NM_001375413.1); c.4196C>G, p.Ser1399Cys (NM_001375420.1, NM_001375421.1, NM_001375422.1 and 4 more transcripts); c.3998C>G, p.Ser1333Cys (NM_001375427.1); short protein forms S1399C, S1436C, S1502C, S1469C, S1333C.
Identifiers: ClinVar variation 2090830 (VCV002090830.4), dbSNP rs1314657380, ClinGen allele CA372948547.